The following is an entry in ClinVar:

NM_001267550.2(TTN):c.40699del (p.Arg13567fs)

Gene: TTN (titin; minus strand). Cytogenetic location: 2q31.2.
Variant type: Deletion.
Coding change: c.40699del on transcript NM_001267550.2 (MANE Select); coding-DNA position 40699, one base deleted (A; older notation c.40699delA).
Protein change: p.Arg13567fs; shifts the reading frame from arginine 13567.
Molecular consequence: frameshift variant.
Genome position (GRCh38, 1-based): chr2:178,640,565, T deleted on the plus strand (A on the coding strand, the reverse complement: TTN is on the minus strand); the first of 3 consecutive T bases (chr2:178,640,565-178,640,567); deleting any one gives the same sequence. VCF-style (leftmost placement, unchanged base first): chr2-178640564-CT-C. GRCh37 (hg19) VCF-style: chr2-179505291-CT-C.
Other names: c.35776del, p.Arg11926fs (NM_001256850.1); c.13504del, p.Arg4502fs (NM_003319.4); c.32995del, p.Arg10999fs (NM_133378.4); c.13879del, p.Arg4627fs (NM_133432.3); c.14080del, p.Arg4694fs (NM_133437.4); short protein forms R4502fs, R4627fs, R10999fs, R11926fs, R13567fs, R4694fs.
Identifiers: ClinVar variation 2030130 (VCV002030130.4), dbSNP rs2471801949, ClinGen allele CA2580065036.
Genomic context (GRCh38, chr2:178,640,564, plus strand): 5'-TTTTTAGAGACAACTAAGAATGACAGTAGATTTGTACCTTTTGTTGGTTCAGGAATCTTC[CT>C]TTCCCTTTTTGTAACAGTAGGTACTTCAACCTCTTCAACAGGTTTTGGAGGTGGTGGTTC-3'

ClinVar aggregate classification (germline): Likely pathogenic (1 of 4 stars; one submission).

Conditions:
Dilated cardiomyopathy 1G (CMD1G). Identifiers: Orphanet 154, MedGen C1858763, MONDO:0011400, OMIM 604145.
Autosomal recessive limb-girdle muscular dystrophy type 2J (LGMDR10). Also called: Limb-girdle muscular dystrophy, type 2J; MUSCULAR DYSTROPHY, LIMB-GIRDLE, AUTOSOMAL RECESSIVE 10. Identifiers: Orphanet 140922, MedGen C1837342, MONDO:0012127, OMIM 608807.

Submission:

Labcorp Genetics (formerly Invitae), Labcorp
Classification: Likely pathogenic for Dilated cardiomyopathy 1G; Autosomal recessive limb-girdle muscular dystrophy type 2J. Last evaluated: 2025-06-16. Review status: criteria provided, single submitter. Criteria: Invitae Variant Classification Sherloc (09022015). Collection method: clinical testing. Allele origin: germline.
Comment: This sequence change creates a premature translational stop signal (p.Arg13567Glyfs*31) in the TTN gene. While this is not anticipated to result in nonsense mediated decay, it is expected to create a truncated TTN protein. This variant is not present in population databases (gnomAD no frequency). This variant has not been reported in the literature in individuals affected with TTN-related conditions. ClinVar contains an entry for this variant (Variation ID: 2030130). This variant is located in the I band of TTN (PMID: 25589632). Truncating variants in this region have been reported in individuals affected with autosomal recessive centronuclear myopathy (PMID: 23975875, internal data). Truncating variants in this region have also been identified in individuals affected with autosomal dominant dilated cardiomyopathy and/or cardio-related conditions (PMID: 27869827, 32964742, internal data). In summary, the currently available evidence indicates that the variant is pathogenic, but additional data are needed to prove that conclusively. Therefore, this variant has been classified as Likely Pathogenic.

Literature cited by the submitters: PubMed 25589632; PubMed 23975875; PubMed 27869827; PubMed 32964742.